The following is an entry in ClinVar:

ClinVar aggregate classification (germline): Uncertain significance. Review status: criteria provided, multiple submitters, no conflicts (2 of 4 stars). 2 submissions from 2 submitters: Uncertain significance (2). Last evaluated 2025-12-16.

Conditions:
Inborn genetic diseases. Identifiers: MedGen C0950123, MeSH D030342.

Allele frequency attached by ClinVar (database versions not stated): gnomAD 0.00005; TOPMed 0.00008.
gnomAD v4.1: 76 of 1,576,842 alleles (0.0048%); highest among the groups gnomAD compares: East Asian, 0.0092%; no homozygotes.

Submissions (2):

Labcorp Genetics (formerly Invitae), Labcorp
Classification: Uncertain significance. Last evaluated: 2025-12-16. Review status: criteria provided, single submitter. Criteria: Invitae Variant Classification Sherloc (09022015). Collection method: clinical testing. Allele origin: germline.
Comment: This sequence change replaces arginine, which is basic and polar, with tryptophan, which is neutral and slightly polar, at codon 530 of the ACAN protein (p.Arg530Trp). The frequency data for this variant in the population databases is considered unreliable, as metrics indicate poor data quality at this position in the gnomAD database. This variant has not been reported in the literature in individuals affected with ACAN-related conditions. ClinVar contains an entry for this variant (Variation ID: 2514239). Invitae Evidence Modeling of protein sequence and biophysical properties (such as structural, functional, and spatial information, amino acid conservation, physicochemical variation, residue mobility, and thermodynamic stability) indicates that this missense variant is not expected to disrupt ACAN protein function with a negative predictive value of 80%. In summary, the available evidence is currently insufficient to determine the role of this variant in disease. Therefore, it has been classified as a Variant of Uncertain Significance.

Ambry Genetics
Classification: Uncertain significance for Inborn genetic diseases. Last evaluated: 2025-09-21. Review status: criteria provided, single submitter. Criteria: Ambry Variant Classification Scheme 2023. Collection method: clinical testing. Allele origin: germline.

NM_001369268.1(ACAN):c.1588C>T (p.Arg530Trp)

Gene: ACAN (aggrecan; plus strand). Cytogenetic location: 15q26.1.
Variant type: single nucleotide variant.
Coding change: c.1588C>T on transcript NM_001369268.1 (MANE Select); coding-DNA position 1588, C replaced by T.
Protein change: p.Arg530Trp; replaces arginine 530 with tryptophan.
Molecular consequence: missense variant.
Genome position (GRCh38, 1-based): chr15:88,847,401, C>T. VCF-style: chr15-88847401-C-T. GRCh37 (hg19) VCF-style: chr15-89390632-C-T.
Other names: c.1588C>T, p.Arg530Trp (NM_001135.4, NM_001411096.1, NM_001411097.1 and 1 more transcripts); short protein forms R530W.
Identifiers: ClinVar variation 2514239 (VCV002514239.6), dbSNP rs777066916, ClinGen allele CA7719598.